The following is an entry in ClinVar:

ClinVar aggregate classification (germline): Likely benign. Review status: criteria provided, multiple submitters, no conflicts (2 of 4 stars). 4 submissions from 4 submitters: Likely benign (4). Last evaluated 2025-10-07.

Conditions:
Cardiovascular phenotype. Identifiers: MedGen CN230736.
Dilated cardiomyopathy 1CC (CMD1CC). Identifiers: Orphanet 154, MedGen C2751084, MONDO:0013147, OMIM 613122.
Hypertrophic cardiomyopathy 20. Identifiers: MedGen C3151267, MONDO:0013477, OMIM 613876.

Allele frequency attached by ClinVar (database versions not stated): gnomAD exomes below 0.00001; gnomAD 0.00001.
gnomAD v4.1: 1 of 1,613,840 alleles (0.000062%); highest among the groups gnomAD compares: African/African-American, 0.0013%; no homozygotes.

Submissions (4):

Women's Health and Genetics/Laboratory Corporation of America, LabCorp
Classification: Likely benign. Last evaluated: 2025-10-07. Review status: criteria provided, single submitter. Criteria: LabCorp Variant Classification Summary - May 2015. Collection method: clinical testing. Allele origin: germline.

Labcorp Genetics (formerly Invitae), Labcorp
Classification: Likely benign for Dilated cardiomyopathy 1CC; Hypertrophic cardiomyopathy 20. Last evaluated: 2025-05-19. Review status: criteria provided, single submitter. Criteria: Invitae Variant Classification Sherloc (09022015). Collection method: clinical testing. Allele origin: germline.

Ambry Genetics
Classification: Likely benign for Cardiovascular phenotype. Last evaluated: 2023-11-08. Review status: criteria provided, single submitter. Criteria: Ambry Variant Classification Scheme 2023. Collection method: clinical testing. Allele origin: germline.

Laboratory for Molecular Medicine, Mass General Brigham Personalized Medicine
Classification: Likely benign. Last evaluated: 2012-04-18. Review status: criteria provided, single submitter. Criteria: LMM Criteria. Collection method: clinical testing. Allele origin: germline. Observed: 1 variant allele.
Comment: Gly568Gly in exon 13 of NEXN: This variant is not expected to have clinical sign ificance because it does not alter an amino acid residue and it is not located w ithin the splice consensus sequence. Gly568Gly in exon 13 of NEXN (allele frequ ency = n/a)

NM_144573.4(NEXN):c.1704C>T (p.Gly568=)

Gene: NEXN (nexilin F-actin binding protein; plus strand). Cytogenetic location: 1p31.1.
Variant type: single nucleotide variant.
Coding change: c.1704C>T on transcript NM_144573.4 (MANE Select); coding-DNA position 1704, C replaced by T.
Protein change: p.Gly568=; no amino-acid change (glycine 568 retained).
Molecular consequence: synonymous variant.
Genome position (GRCh38, 1-based): chr1:77,942,505, C>T. VCF-style: chr1-77942505-C-T. GRCh37 (hg19) VCF-style: chr1-78408190-C-T.
Other names: c.1512C>T, p.Gly504= (NM_001172309.2).
Identifiers: ClinVar variation 47895 (VCV000047895.17), dbSNP rs397517850, ClinGen allele CA142128.
Genomic context (GRCh38, chr1:77,942,505, plus strand): 5'-ATTTATTTTAATACAGAAAAGAGAAGAGGAGGAGGAGGAAGAAGGTAGCATCATGAATGG[C>T]TCCACTGCTGAAGATGAAGAGCAAACCAGATCAGGAGCTCCATGGTTCAAGAAGCCTCTT-3'
Protein context (NP_653174.3, residues 558-578): EEEEEGSIMN[Gly568=]STAEDEEQTR